The following is an entry in ClinVar:

ClinVar aggregate classification (germline): Conflicting classifications of pathogenicity. Review status: criteria provided, conflicting classifications (1 of 4 stars). 6 submissions from 6 submitters: Uncertain significance (4); Likely benign (1). 1 of the submissions does not count toward it. Last evaluated 2025-06-14.

Conditions:
Transcobalamin II deficiency (TCN2D). Also called: Transcolabamin II deficiency; TC II DEFICIENCY; TCN2 DEFICIENCY. Identifiers: Orphanet 859, MedGen C0342701, MONDO:0010149, OMIM 275350.
TCN2-related disorder. Also called: TCN2-related condition.

Allele frequency attached by ClinVar (database versions not stated): 1000 Genomes Project 30x 0.00016; 1000 Genomes Project 0.00020; gnomAD 0.00075 and 0.00077; TOPMed 0.00079; ExAC 0.00109; ESP Exome Variant Server 0.00123.
gnomAD v4.1: 1,539 of 1,614,152 alleles (0.095%); highest among the groups gnomAD compares: South Asian, 0.14%; 3 homozygotes.

Submissions (6):

GeneDx
Classification: Uncertain significance. Last evaluated: 2025-06-14. Review status: criteria provided, single submitter. Criteria: GeneDx Variant Classification Process June 2021. Collection method: clinical testing. Allele origin: germline. Affected: yes.
Comment: Observed in the homozygous state in an asymptomatic individual with normal vitamin B12, folate, homocysteine, and methylmalonic acid levels in the published literature (PMID: 26951924); In silico analysis supports that this missense variant has a deleterious effect on protein structure/function; This variant is associated with the following publications: (PMID: 26951924)

Revvity Omics, Revvity
Classification: Uncertain significance for Transcobalamin II deficiency. Last evaluated: 2024-04-05. Review status: criteria provided, single submitter. Criteria: ACMG Guidelines, 2015. Collection method: clinical testing. Allele origin: germline.

Labcorp Genetics (formerly Invitae), Labcorp
Classification: Uncertain significance for Transcobalamin II deficiency. Last evaluated: 2022-10-17. Review status: criteria provided, single submitter. Criteria: Invitae Variant Classification Sherloc (09022015). Collection method: clinical testing. Allele origin: germline.
Comment: This sequence change replaces arginine, which is basic and polar, with glycine, which is neutral and non-polar, at codon 413 of the TCN2 protein (p.Arg413Gly). This variant is present in population databases (rs148963479, gnomAD 0.2%), including at least one homozygous and/or hemizygous individual. This variant has not been reported in the literature in individuals affected with TCN2-related conditions. ClinVar contains an entry for this variant (Variation ID: 529776). Advanced modeling of protein sequence and biophysical properties (such as structural, functional, and spatial information, amino acid conservation, physicochemical variation, residue mobility, and thermodynamic stability) performed at Invitae indicates that this missense variant is expected to disrupt TCN2 protein function. In summary, the available evidence is currently insufficient to determine the role of this variant in disease. Therefore, it has been classified as a Variant of Uncertain Significance.

CeGaT Center for Human Genetics Tuebingen
Classification: Likely benign. Last evaluated: 2022-08-01. Review status: criteria provided, single submitter. Criteria: CeGaT Center For Human Genetics Tuebingen Variant Classification Criteria Version 2. Collection method: clinical testing. Allele origin: germline. Affected: yes. Observed: 1 variant allele.
Comment: TCN2: BP4

Illumina Laboratory Services, Illumina
Classification: Uncertain significance for Transcobalamin II deficiency. Last evaluated: 2018-01-13. Review status: criteria provided, single submitter. Criteria: ICSL Variant Classification Criteria 13 December 2019. Collection method: clinical testing. Allele origin: germline.

PreventionGenetics, part of Exact Sciences
Classification: Likely benign for TCN2-related condition. Last evaluated: 2019-09-25. Review status: no assertion criteria provided. Collection method: clinical testing. Allele origin: germline. Not counted in ClinVar's aggregate classification.
Comment: This variant is classified as likely benign based on ACMG/AMP sequence variant interpretation guidelines (Richards et al. 2015 PMID: 25741868, with internal and published modifications).

NM_000355.4(TCN2):c.1237A>G (p.Arg413Gly)

Gene: TCN2 (transcobalamin 2; plus strand). Cytogenetic location: 22q12.2.
Variant type: single nucleotide variant.
Coding change: c.1237A>G on transcript NM_000355.4 (MANE Select); coding-DNA position 1237, A replaced by G.
Protein change: p.Arg413Gly; replaces arginine 413 with glycine.
Molecular consequence: missense variant.
Genome position (GRCh38, 1-based): chr22:30,626,474, A>G. VCF-style: chr22-30626474-A-G. GRCh37 (hg19) VCF-style: chr22-31022461-A-G.
Other names: c.1156A>G, p.Arg386Gly (NM_001184726.2); short protein forms R413G, R386G.
Identifiers: ClinVar variation 529776 (VCV000529776.38), dbSNP rs148963479, ClinGen allele CA10185067.